The following is an entry in ClinVar:

NM_000179.3(MSH6):c.1450del (p.Glu484fs)

Gene: MSH6 (mutS homolog 6; plus strand). Cytogenetic location: 2p16.3.
Variant type: Deletion.
Coding change: c.1450del on transcript NM_000179.3 (MANE Select); coding-DNA position 1450, one base deleted (G; older notation c.1450delG).
Protein change: p.Glu484fs; shifts the reading frame from glutamic acid 484.
Molecular consequence: frameshift variant.
Genome position (GRCh38, 1-based): chr2:47,799,433, G deleted; the last of 2 consecutive G bases (chr2:47,799,432-47,799,433); deleting either gives the same sequence. VCF-style (leftmost placement, unchanged base first): chr2-47799431-TG-T. GRCh37 (hg19) VCF-style: chr2-48026570-TG-T.
Other names: c.1060del, p.Glu354fs (NM_001281492.2); c.544del, p.Glu182fs (NM_001281493.2, NM_001281494.2); c.1546delG, p.Glu516Asnfs (NM_001406795.1, NM_001406802.1); c.1450delG, p.Glu484Asnfs (NM_001406796.1, NM_001406798.1, NM_001406800.1 and 4 more transcripts); c.1153delG, p.Glu385Asnfs (NM_001406797.1, NM_001406801.1, NM_001406805.1 and 10 more transcripts); c.925delG, p.Glu309Asnfs (NM_001406799.1, NM_001406806.1, NM_001406807.1); c.1372delG, p.Glu458Asnfs (NM_001406804.1); c.544delG, p.Glu182Asnfs (NM_001406811.1, NM_001406812.1, NM_001406814.1 and 4 more transcripts); and 2 more; short protein forms E484fs, E182fs, E354fs.
Identifiers: ClinVar variation 1772943 (VCV001772943.2), dbSNP rs2530610418, ClinGen allele CA2580067592.
Genomic context (GRCh38, chr2:47,799,431, plus strand): 5'-AAATTGCATTTGGCCGTTATTCAGATTCCCTGGTGCAGAAGGGCTATAAAGTAGCACGAG[TG>T]GAACAGACTGAGACTCCAGAAATGATGGAGGCACGATGTAGAAAGATGGCACATATATCC-3'

ClinVar aggregate classification (germline): Pathogenic (1 of 4 stars; one submission).

Conditions:
Hereditary cancer-predisposing syndrome. Also called: Hereditary Cancer Syndrome; Hereditary neoplastic syndrome; Neoplastic Syndromes, Hereditary; Tumor predisposition. Identifiers: Orphanet 140162, MedGen C0027672, MeSH D009386, MONDO:0015356.

Submission:

Ambry Genetics
Classification: Pathogenic for Hereditary cancer-predisposing syndrome. Last evaluated: 2018-10-26. Review status: criteria provided, single submitter. Criteria: Ambry Variant Classification Scheme 2023. Collection method: clinical testing. Allele origin: germline.
Comment: The c.1450delG pathogenic mutation, located in coding exon 4 of the MSH6 gene, results from a deletion of one nucleotide at nucleotide position 1450, causing a translational frameshift with a predicted alternate stop codon (p.E484Nfs*8). This alteration is expected to result in loss of function by premature protein truncation or nonsense-mediated mRNA decay. As such, this alteration is interpreted as a disease-causing mutation.